The following is an entry in ClinVar:

ClinVar aggregate classification (germline): Uncertain significance (1 of 4 stars; one submission).

Conditions:
Autosomal recessive limb-girdle muscular dystrophy type 2J (LGMDR10). Also called: Limb-girdle muscular dystrophy, type 2J; MUSCULAR DYSTROPHY, LIMB-GIRDLE, AUTOSOMAL RECESSIVE 10. Identifiers: Orphanet 140922, MedGen C1837342, MONDO:0012127, OMIM 608807.
Dilated cardiomyopathy 1G (CMD1G). Identifiers: Orphanet 154, MedGen C1858763, MONDO:0011400, OMIM 604145.

Allele frequency attached by ClinVar (database versions not stated): gnomAD exomes below 0.00001.
gnomAD v4.1: 3 of 1,613,652 alleles (0.00019%); highest among the groups gnomAD compares: Admixed American, 0.0017%; no homozygotes.

Submission:

Labcorp Genetics (formerly Invitae), Labcorp
Classification: Uncertain significance for Dilated cardiomyopathy 1G; Autosomal recessive limb-girdle muscular dystrophy type 2J. Last evaluated: 2025-06-03. Review status: criteria provided, single submitter. Criteria: Invitae Variant Classification Sherloc (09022015). Collection method: clinical testing. Allele origin: germline.
Comment: This sequence change replaces isoleucine, which is neutral and non-polar, with threonine, which is neutral and polar, at codon 34409 of the TTN protein (p.Ile34409Thr). This variant is present in population databases (no rsID available, gnomAD 0.003%). This variant has not been reported in the literature in individuals affected with TTN-related conditions. ClinVar contains an entry for this variant (Variation ID: 534994). Experimental studies and prediction algorithms are not available or were not evaluated, and the functional significance of this variant is currently unknown. This variant is located in the M band of TTN (PMID: 25589632). Non-truncating variants in this region may be relevant for neuromuscular disorders, but have not been definitively shown to cause cardiomyopathy (PMID: 23975875). In summary, the available evidence is currently insufficient to determine the role of this variant in disease. Therefore, it has been classified as a Variant of Uncertain Significance.

Literature cited by the submitters: PubMed 25589632; PubMed 23975875.

NM_001267550.2(TTN):c.103226T>C (p.Ile34409Thr)

Genes: TTN (titin; minus strand), TTN-AS1 (TTN antisense RNA 1; plus strand). Cytogenetic location: 2q31.2.
Variant type: single nucleotide variant.
Coding change: c.103226T>C on transcript NM_001267550.2 (MANE Select); coding-DNA position 103226, T replaced by C.
Protein change: p.Ile34409Thr; replaces isoleucine 34409 with threonine.
Molecular consequence: missense variant.
Genome position (GRCh38, 1-based): chr2:178,533,389, A>G on the plus strand (T>C on the coding strand, the complement: TTN is on the minus strand). VCF-style: chr2-178533389-A-G. GRCh37 (hg19) VCF-style: chr2-179398116-A-G.
Other names: c.98303T>C, p.Ile32768Thr (NM_001256850.1); c.76031T>C, p.Ile25344Thr (NM_003319.4); c.95522T>C, p.Ile31841Thr (NM_133378.4); c.76406T>C, p.Ile25469Thr (NM_133432.3); c.76607T>C, p.Ile25536Thr (NM_133437.4); short protein forms I34409T, I25344T, I25469T, I25536T, I32768T, I31841T.
Identifiers: ClinVar variation 534994 (VCV000534994.7), dbSNP rs879013405, ClinGen allele CA60957446.
Genomic context (GRCh38, chr2:178,533,389, plus strand): 5'-TCAGGCAAAGTGTCCCTGATGTGCAGAGCATAATAATCCAAGCCTTCATGGATAATTTCA[A>G]TGTTAGGCCCGAGGGACAGTGGCTGACCATCTTTCTCCCATTTTAATGTTGGTGGGGGGA-3'
Protein context (NP_001254479.2, residues 34399-34419): DGQPLSLGPN[Ile34409Thr]EIIHEGLDYY